The following is an entry in ClinVar:

NM_002299.4(LCT):c.655G>A (p.Val219Ile)

Gene: LCT (lactase; minus strand). Cytogenetic location: 2q21.3.
Variant type: single nucleotide variant.
Coding change: c.655G>A on transcript NM_002299.4 (MANE Select); coding-DNA position 655, G replaced by A.
Protein change: p.Val219Ile; replaces valine 219 with isoleucine.
Molecular consequence: missense variant.
Genome position (GRCh38, 1-based): chr2:135,833,176, C>T on the plus strand (G>A on the coding strand, the complement: LCT is on the minus strand). VCF-style: chr2-135833176-C-T. GRCh37 (hg19) VCF-style: chr2-136590746-C-T.
Other names: c.655G>A (LRG_338t1); short protein forms V219I.
Identifiers: ClinVar variation 331207 (VCV000331207.22), dbSNP rs3754689, ClinGen allele CA1888576.

ClinVar aggregate classification (germline): Benign. Review status: criteria provided, multiple submitters, no conflicts (2 of 4 stars). 8 submissions from 8 submitters: Benign (6). 2 of the submissions do not count toward it. Last evaluated 2026-02-04.

Conditions:
Congenital lactase deficiency. Also called: ALACTASIA, CONGENITAL; DISACCHARIDE INTOLERANCE II. Identifiers: Orphanet 53690, MedGen C0268179, MONDO:0009115, OMIM 223000.

Allele frequency attached by ClinVar (database versions not stated): ESP Exome Variant Server 0.27026; TOPMed 0.29786; 1000 Genomes Project 30x 0.35400; 1000 Genomes Project 0.35503.
gnomAD v4.1: 290,669 of 1,612,596 alleles (18%); highest among the groups gnomAD compares: African/African-American, 46%; 36,034 homozygotes.

Submissions (8):

Labcorp Genetics (formerly Invitae), Labcorp
Classification: Benign. Last evaluated: 2026-02-04. Review status: criteria provided, single submitter. Criteria: Invitae Variant Classification Sherloc (09022015). Collection method: clinical testing. Allele origin: germline.

Mayo Clinic Laboratories, Mayo Clinic
Classification: Benign. Last evaluated: 2023-10-26. Review status: criteria provided, single submitter. Criteria: ACMG Guidelines, 2015. Collection method: clinical testing. Allele origin: germline. Observed: 39 variant alleles.
Comment: BA1, BS2, BP4

Genome-Nilou Lab
Classification: Benign for Congenital lactase deficiency. Last evaluated: 2021-08-19. Review status: criteria provided, single submitter. Criteria: ACMG Guidelines, 2015. Collection method: clinical testing. Allele origin: germline. Affected: no.

GeneDx
Classification: Benign. Last evaluated: 2018-11-12. Review status: criteria provided, single submitter. Criteria: GeneDx Variant Classification Process June 2021. Collection method: clinical testing. Allele origin: germline. Affected: yes.
Comment: This variant is associated with the following publications: (PMID: 27060170)

Illumina Laboratory Services, Illumina
Classification: Benign for Congenital lactase deficiency. Last evaluated: 2018-01-12. Review status: criteria provided, single submitter. Criteria: ICSL Variant Classification Criteria 13 December 2019. Collection method: clinical testing. Allele origin: germline.
Comment: This variant was observed in the ICSL laboratory as part of a predisposition screen in an ostensibly healthy population. It had not been previously curated by ICSL or reported in the Human Gene Mutation Database (HGMD: prior to June 1st, 2018), and was therefore a candidate for classification through an automated scoring system. Utilizing variant allele frequency, disease prevalence and penetrance estimates, and inheritance mode, an automated score was calculated to assess if this variant is too frequent to cause the disease. Based on the score and internal cut-off values, a variant classified as benign is not then subjected to further curation. The score for this variant resulted in a classification of benign for this disease.

Breakthrough Genomics
Classification: Benign. Review status: criteria provided, single submitter. Criteria: ACMG Guidelines, 2015. Collection method: not provided. Allele origin: germline. Inheritance: Autosomal recessive inheritance. Affected: yes.

Genome Diagnostics Laboratory, University Medical Center Utrecht
Classification: Benign. Review status: no assertion criteria provided. Collection method: clinical testing. Allele origin: germline. Affected: yes. Study: VKGL Data-share Consensus. Not counted in ClinVar's aggregate classification.

Joint Genome Diagnostic Labs from Nijmegen and Maastricht, Radboudumc and MUMC+
Classification: Benign. Review status: no assertion criteria provided. Collection method: clinical testing. Allele origin: germline. Affected: yes. Study: VKGL Data-share Consensus. Not counted in ClinVar's aggregate classification.